The following is an entry in ClinVar:

NM_000257.4(MYH7):c.124G>A (p.Asp42Asn)

Gene: MYH7 (myosin heavy chain 7; minus strand). Cytogenetic location: 14q11.2.
Variant type: single nucleotide variant.
Coding change: c.124G>A on transcript NM_000257.4 (MANE Select); coding-DNA position 124, G replaced by A.
Protein change: p.Asp42Asn; replaces aspartic acid 42 with asparagine.
Molecular consequence: missense variant.
Genome position (GRCh38, 1-based): chr14:23,433,609, C>T on the plus strand (G>A on the coding strand, the complement: MYH7 is on the minus strand). VCF-style: chr14-23433609-C-T. GRCh37 (hg19) VCF-style: chr14-23902818-C-T.
Other names: short protein forms D42N.
Identifiers: ClinVar variation 927028 (VCV000927028.9), dbSNP rs780785242, ClinGen allele CA027886.
Genomic context (GRCh38, chr14:23,433,609, plus strand): 5'-CGGCAGTGACTTTGCCACCCTCTCGAGACACGATCTTGGCCTTGACAAACTCCTGTTTGT[C>T]ATCAGGCACGAAGACATCCTTCTTGAGGTCAAAAGGCCTGGTCTGCGCTTCTAGCCGCTC-3'
Protein context (NP_000248.2, residues 32-52): DLKKDVFVPD[Asp42Asn]KQEFVKAKIV

ClinVar aggregate classification (germline): Conflicting classifications of pathogenicity. Review status: criteria provided, conflicting classifications (1 of 4 stars). 4 submissions from 4 submitters: Uncertain significance (3); Likely benign (1). Last evaluated 2024-10-29.

Conditions:
Myopathy, myosin storage, autosomal recessive (CMYO7B). Also called: CONGENITAL MYOPATHY 7B, MYOSIN STORAGE, AUTOSOMAL RECESSIVE. Identifiers: Orphanet 636970, MedGen C1850709, MONDO:0009708, OMIM 255160.
Dilated cardiomyopathy 1S (CMD1S). Identifiers: Orphanet 154, Orphanet 54260, MedGen C1834481, MONDO:0013262, OMIM 613426.
Congenital myopathy with fiber type disproportion. Also called: Congenital fiber-type disproportion myopathy; Congenital fiber-type disproportion. Identifiers: Orphanet 2020, MedGen C0546264, MONDO:0009711. Inheritance: all.
Myosin storage myopathy (CMYO7A). Also called: MYOPATHY, HYALINE BODY, AUTOSOMAL DOMINANT; Scapuloperoneal myopathy, MYH7-related; MYOPATHY WITH LYSIS OF TYPE I MYOFIBRILS; SCAPULOPERONEAL MUSCULAR DYSTROPHY; SCAPULOPERONEAL SYNDROME, MYOPATHIC TYPE; MYH7-related late-onset scapuloperoneal muscular dystrophy. Identifiers: Orphanet 437572, Orphanet 636965, MedGen C1842160, MONDO:0008409, OMIM 608358.
MYH7-related skeletal myopathy. Also called: Myopathy, distal, 1; MYOPATHY, DISTAL, EARLY-ONSET, AUTOSOMAL DOMINANT; MYOPATHY, LATE DISTAL HEREDITARY; Laing distal myopathy; Laing early-onset distal myopathy. Identifiers: Orphanet 59135, MedGen C4552004, MONDO:0008050, OMIM 160500.
Hypertrophic cardiomyopathy 1 (CMH1). Also called: Familial hypertrophic cardiomyopathy 1; MYH7-Related Familial Hypertrophic Cardiomyopathy. Identifiers: MedGen C3495498, MONDO:0008647, OMIM 192600.
Cardiomyopathy (CMYO). Also called: Cardiomyopathies. Identifiers: Orphanet 167848, MedGen C0878544, MONDO:0004994, HP:0001638. Inheritance: Various modes of inheritance.
Cardiovascular phenotype. Identifiers: MedGen CN230736.

Allele frequency attached by ClinVar (database versions not stated): ExAC 0.00001; gnomAD exomes 0.00001.
gnomAD v4.1: 5 of 1,614,240 alleles (0.00031%); highest among the groups gnomAD compares: East Asian, 0.0022%; no homozygotes.

Submissions (4):

Color Diagnostics, LLC DBA Color Health
Classification: Uncertain significance for Cardiomyopathy. Last evaluated: 2024-10-29. Review status: criteria provided, single submitter. Criteria: ACMG Guidelines, 2015. Collection method: clinical testing. Allele origin: germline.
Comment: This missense variant replaces aspartic acid with asparagine at codon 42 of the MYH7 protein. Computational prediction suggests that this variant may not impact protein structure and function. To our knowledge, functional studies have not been reported for this variant. This variant has not been reported in individuals affected with MYH7-related disorders in the literature. This variant has been identified in 3/251466 chromosomes in the general population by the Genome Aggregation Database (gnomAD). The available evidence is insufficient to determine the role of this variant in disease conclusively. Therefore, this variant is classified as a Variant of Uncertain Significance.

All of Us Research Program, National Institutes of Health
Classification: Uncertain significance for Cardiomyopathy. Last evaluated: 2024-08-06. Review status: criteria provided, single submitter. Criteria: ACMG Guidelines, 2015. Collection method: clinical testing. Allele origin: germline. Inheritance: Autosomal dominant inheritance. Observed: 2 variant alleles, 2 heterozygotes.
Comment: This missense variant replaces aspartic acid with asparagine at codon 42 of the MYH7 protein. Computational prediction suggests that this variant may not impact protein structure and function (internally defined REVEL score threshold <= 0.5, PMID: 27666373). To our knowledge, functional studies have not been reported for this variant. This variant has not been reported in individuals affected with MYH7-related disorders in the literature. This variant has been identified in 3/251466 chromosomes in the general population by the Genome Aggregation Database (gnomAD). The available evidence is insufficient to determine the role of this variant in disease conclusively. Therefore, this variant is classified as a Variant of Uncertain Significance.

This study involves interpretation of variants in research participants for the purpose of population health screening. Participant phenotype was not available at the time of variant classification. Additional details can be found in publication PMID: 35346344, PMCID: PMC8962531

Ambry Genetics
Classification: Likely benign for Cardiovascular phenotype. Last evaluated: 2024-03-12. Review status: criteria provided, single submitter. Criteria: Ambry Variant Classification Scheme 2023. Collection method: clinical testing. Allele origin: germline.

Fulgent Genetics
Classification: Uncertain significance for MYH7-related skeletal myopathy; Myosin storage myopathy; Hypertrophic cardiomyopathy 1; Myopathy, myosin storage, autosomal recessive; Congenital myopathy 4A, autosomal dominant; Dilated cardiomyopathy 1S. Last evaluated: 2021-07-05. Review status: criteria provided, single submitter. Criteria: ACMG Guidelines, 2015. Collection method: clinical testing. Allele origin: unknown.